The following is an entry in ClinVar:

NM_001966.4(EHHADH):c.22C>T (p.His8Tyr)

Gene: EHHADH (enoyl-CoA hydratase and 3-hydroxyacyl CoA dehydrogenase; minus strand). Cytogenetic location: 3q27.2.
Variant type: single nucleotide variant.
Coding change: c.22C>T on transcript NM_001966.4 (MANE Select); coding-DNA position 22, C replaced by T.
Protein change: p.His8Tyr; replaces histidine 8 with tyrosine.
Molecular consequence: missense variant. On other transcripts: 5 prime UTR variant (1).
Genome position (GRCh38, 1-based): chr3:185,254,001, G>A on the plus strand (C>T on the coding strand, the complement: EHHADH is on the minus strand). VCF-style: chr3-185254001-G-A. GRCh37 (hg19) VCF-style: chr3-184971789-G-A.
Other names: c.-390C>T (NM_001166415.2); c.22C>T (NM_001966.3); short protein forms H8Y.
Identifiers: ClinVar variation 1049882 (VCV001049882.4), dbSNP rs149510968, ClinGen allele CA2739365.

ClinVar aggregate classification (germline): Uncertain significance. Review status: criteria provided, single submitter (1 of 4 stars). 3 submissions from 3 submitters: Uncertain significance (1). 2 of the submissions do not count toward it. Last evaluated 2024-01-08.

Conditions:
EHHADH-related disorder. Also called: EHHADH-related condition.

Allele frequency attached by ClinVar (database versions not stated): gnomAD exomes 0.00003 and 0.00004; ExAC 0.00004; gnomAD 0.00013 and 0.00014; TOPMed 0.00022; ESP Exome Variant Server 0.00023.
gnomAD v4.1: 58 of 1,613,828 alleles (0.0036%); highest among the groups gnomAD compares: African/African-American, 0.068%; no homozygotes.

Submissions (3):

Ambry Genetics
Classification: Uncertain significance. Last evaluated: 2024-01-08. Review status: criteria provided, single submitter. Criteria: Ambry Variant Classification Scheme 2023. Collection method: clinical testing. Allele origin: germline.

PreventionGenetics, part of Exact Sciences
Classification: Uncertain significance for EHHADH-related condition. Last evaluated: 2024-01-07. Review status: no assertion criteria provided. Collection method: clinical testing. Allele origin: germline. Not counted in ClinVar's aggregate classification.
Comment: The EHHADH c.22C>T variant is predicted to result in the amino acid substitution p.His8Tyr. To our knowledge, this variant has not been reported in the literature. This variant is reported in 0.052% of alleles in individuals of African descent in gnomAD. At this time, the clinical significance of this variant is uncertain due to the absence of conclusive functional and genetic evidence.

Department of Pathology and Laboratory Medicine, Sinai Health System
Classification: Uncertain significance. Review status: no assertion criteria provided. Collection method: clinical testing. Allele origin: unknown. Affected: yes. Study: The Canadian Open Genetics Repository (COGR). Not counted in ClinVar's aggregate classification.
Comment: The EHHADH p.His8Tyr variant was not identified in the literature nor was it identified in ClinVar or LOVD 3.0. The variant was identified in dbSNP (ID: rs149510968) and was found in control databases in 14 of 282254 chromosomes at a frequency of 0.00005 (Genome Aggregation Database Feb 27, 2017). The variant was observed in the following populations: African in 13 of 24874 chromosomes (freq: 0.000523) and Other in 1 of 7210 chromosomes (freq: 0.000139), while the variant was not observed in the Latino, Ashkenazi Jewish, East Asian, European (Finnish), European (non-Finnish) or South Asian populations. The variant occurs outside of the splicing consensus sequence and in silico or computational prediction software programs (SpliceSiteFinder, MaxEntScan, NNSPLICE, GeneSplicer) do not predict a difference in splicing. The p.His8 residue is not conserved in mammals and all computational analyses (PolyPhen-2, SIFT, AlignGVGD, BLOSUM, MutationTaster) do not suggest a high likelihood of impact to the protein; however, this information is not predictive enough to rule out pathogenicity. In summary, based on the above information the clinical significance of this variant cannot be determined with certainty at this time. This variant is classified as a variant of uncertain significance.